The following is an entry in ClinVar:

NM_020461.4(TUBGCP6):c.3436G>A (p.Glu1146Lys)

Gene: TUBGCP6 (tubulin gamma complex component 6; minus strand). Cytogenetic location: 22q13.33.
Variant type: single nucleotide variant.
Coding change: c.3436G>A on transcript NM_020461.4 (MANE Select); coding-DNA position 3436, G replaced by A.
Protein change: p.Glu1146Lys; replaces glutamic acid 1146 with lysine.
Molecular consequence: missense variant.
Genome position (GRCh38, 1-based): chr22:50,220,923, C>T on the plus strand (G>A on the coding strand, the complement: TUBGCP6 is on the minus strand). VCF-style: chr22-50220923-C-T. GRCh37 (hg19) VCF-style: chr22-50659352-C-T.
Other names: short protein forms E1146K.
Identifiers: ClinVar variation 2823879 (VCV002823879.3), dbSNP rs2064510364, ClinGen allele CA412182497.

ClinVar aggregate classification (germline): Uncertain significance (1 of 4 stars; one submission).

Allele frequency attached by ClinVar (database versions not stated): gnomAD exomes 0.00001.
gnomAD v4.1: 4 of 1,610,228 alleles (0.00025%); highest among the groups gnomAD compares: South Asian, 0.0044%; 1 homozygote.

Submission:

Labcorp Genetics (formerly Invitae), Labcorp
Classification: Uncertain significance. Last evaluated: 2023-11-24. Review status: criteria provided, single submitter. Criteria: Invitae Variant Classification Sherloc (09022015). Collection method: clinical testing. Allele origin: germline.
Comment: This sequence change replaces glutamic acid, which is acidic and polar, with lysine, which is basic and polar, at codon 1146 of the TUBGCP6 protein (p.Glu1146Lys). This variant is not present in population databases (gnomAD no frequency). This variant has not been reported in the literature in individuals affected with TUBGCP6-related conditions. Experimental studies and prediction algorithms are not available or were not evaluated, and the functional significance of this variant is currently unknown. In summary, the available evidence is currently insufficient to determine the role of this variant in disease. Therefore, it has been classified as a Variant of Uncertain Significance.